The following is an entry in ClinVar:

NM_001848.3(COL6A1):c.1813+137C>T

Gene: COL6A1 (collagen type VI alpha 1 chain; plus strand). Cytogenetic location: 21q22.3.
Variant type: single nucleotide variant.
Coding change: c.1813+137C>T on transcript NM_001848.3 (MANE Select); 137 bases into the intron after coding-DNA position 1813, C replaced by T.
Molecular consequence: intron variant.
Genome position (GRCh38, 1-based): chr21:46,000,504, C>T. VCF-style: chr21-46000504-C-T. GRCh37 (hg19) VCF-style: chr21-47420418-C-T.
Identifiers: ClinVar variation 679186 (VCV000679186.2), dbSNP rs4818812, ClinGen allele CA14865335.

ClinVar aggregate classification (germline): Benign. Review status: criteria provided, multiple submitters, no conflicts (2 of 4 stars). 2 submissions from 2 submitters: Benign (2). Last evaluated 2018-06-14.

Allele frequency attached by ClinVar (database versions not stated): 1000 Genomes Project 0.25539; 1000 Genomes Project 30x 0.25921; gnomAD exomes 0.26196; gnomAD 0.30229 and 0.30942; TOPMed 0.31133.
gnomAD v4.1: 317,002 of 1,189,394 alleles (27%); highest among the groups gnomAD compares: African/African-American, 40%; 44,351 homozygotes.

Submissions (2):

GeneDx
Classification: Benign. Last evaluated: 2018-06-14. Review status: criteria provided, single submitter. Criteria: GeneDx Variant Classification (06012015). Collection method: clinical testing. Allele origin: germline. Affected: yes.
Comment: This variant is considered likely benign or benign based on one or more of the following criteria: it is a conservative change, it occurs at a poorly conserved position in the protein, it is predicted to be benign by multiple in silico algorithms, and/or has population frequency not consistent with disease.

Breakthrough Genomics
Classification: Benign. Review status: criteria provided, single submitter. Criteria: ACMG Guidelines, 2015. Collection method: not provided. Allele origin: germline. Inheritance: Autosomal recessive inheritance. Affected: yes.